The following is an entry in ClinVar:

ClinVar aggregate classification (germline): Pathogenic/Likely pathogenic. Review status: criteria provided, multiple submitters, no conflicts (2 of 4 stars). 2 submissions from 2 submitters: Pathogenic (1); Likely pathogenic (1). Last evaluated 2024-10-04.

Conditions:
Developmental and epileptic encephalopathy 92. Also called: EPILEPTIC ENCEPHALOPATHY, INFANTILE OR EARLY CHILDHOOD, 2. Identifiers: MedGen C4693362, MONDO:0020631, OMIM 617829.
Intellectual disability. Also called: Intellectual functioning disability; Intellectual developmental disorder; intellectual disabilities. Identifiers: MedGen C3714756, MeSH D008607, MONDO:0001071, HP:0001249.

Submissions (2):

Dubai Health Genomic Medicine Center, Dubai Health
Classification: Likely pathogenic for Developmental and epileptic encephalopathy 92. Last evaluated: 2024-10-04. Review status: criteria provided, single submitter. Criteria: ACMG Guidelines, 2015. Collection method: research. Allele origin: germline. Affected: yes.
Comment: PM2,PM5,PM1,PP3,PP4

Labcorp Genetics (formerly Invitae), Labcorp
Classification: Pathogenic for Intellectual disability. Last evaluated: 2021-08-31. Review status: criteria provided, single submitter. Criteria: Invitae Variant Classification Sherloc (09022015). Collection method: clinical testing. Allele origin: germline.

NM_001371727.1(GABRB2):c.902A>T (p.Tyr301Phe)

Gene: GABRB2 (gamma-aminobutyric acid type A receptor subunit beta2; minus strand). Cytogenetic location: 5q34.
Variant type: single nucleotide variant.
Coding change: c.902A>T on transcript NM_001371727.1 (MANE Select); coding-DNA position 902, A replaced by T.
Protein change: p.Tyr301Phe; replaces tyrosine 301 with phenylalanine.
Molecular consequence: missense variant.
Genome position (GRCh38, 1-based): chr5:161,331,058, T>A on the plus strand (A>T on the coding strand, the complement: GABRB2 is on the minus strand). VCF-style: chr5-161331058-T-A. GRCh37 (hg19) VCF-style: chr5-160758065-T-A.
Other names: c.902A>T, p.Tyr301Phe (NM_000813.3, NM_021911.3); short protein forms Y301F.
Identifiers: ClinVar variation 1076207 (VCV001076207.6), dbSNP rs1064794996, ClinGen allele CA362175379.